The following is an entry in ClinVar:

ClinVar aggregate classification (germline): Uncertain significance (1 of 4 stars; one submission).

Submission:

Ambry Genetics
Classification: Uncertain significance. Last evaluated: 2026-04-22. Review status: criteria provided, single submitter. Criteria: Ambry Variant Classification Scheme 2023. Collection method: clinical testing. Allele origin: germline.
Comment: The p.C237R variant (also known as c.709T>C), located in coding exon 1 of the TET2 gene, results from a T to C substitution at nucleotide position 709. The cysteine at codon 237 is replaced by arginine, an amino acid with highly dissimilar properties. This amino acid position is conserved. In addition, this alteration is predicted to be tolerated by in silico analysis. Based on the available evidence, the clinical significance of this variant remains unclear.

NM_001127208.3(TET2):c.709T>C (p.Cys237Arg)

Genes: TET2 (tet methylcytosine dioxygenase 2; plus strand), TET2-AS1 (TET2 antisense RNA 1; minus strand). Cytogenetic location: 4q24.
Variant type: single nucleotide variant.
Coding change: c.709T>C on transcript NM_001127208.3 (MANE Select); coding-DNA position 709, T replaced by C.
Protein change: p.Cys237Arg; replaces cysteine 237 with arginine.
Molecular consequence: missense variant.
Genome position (GRCh38, 1-based): chr4:105,234,651, T>C. VCF-style: chr4-105234651-T-C. GRCh37 (hg19) VCF-style: chr4-106155808-T-C.
Other names: c.709T>C, p.Cys237Arg (NM_017628.4); short protein forms C237R.
Identifiers: ClinVar variation 4865552 (VCV004865552.1).
Genomic context (GRCh38, chr4:105,234,651, plus strand): 5'-TCCGTGGAACACACACATGGTGAACTCCTGGAAAAAACACTGTCTCAATATTATCCAGAT[T>C]GTGTTTCCATTGCGGTGCAGAAAACCACATCTCACATAAATGCCATTAACAGTCAGGCTA-3'
Protein context (NP_001120680.1, residues 227-247): EKTLSQYYPD[Cys237Arg]VSIAVQKTTS